The following is an entry in ClinVar:

ClinVar aggregate classification (germline): Uncertain significance (1 of 4 stars; one submission).

Submission:

GeneDx
Classification: Uncertain significance. Last evaluated: 2026-03-13. Review status: criteria provided, single submitter. Criteria: GeneDx Variant Classification Process June 2021. Collection method: clinical testing. Allele origin: germline.
Comment: Not observed at significant frequency in large population cohorts (gnomAD); In silico analysis supports that this missense variant has a deleterious effect on protein structure/function; Has not been previously published as pathogenic or benign to our knowledge

NM_001130021.3(ATP6V0A1):c.650A>G (p.Lys217Arg)

Gene: ATP6V0A1 (ATPase H+ transporting V0 subunit a1; plus strand). Cytogenetic location: 17q21.2.
Variant type: single nucleotide variant.
Coding change: c.650A>G on transcript NM_001130021.3 (MANE Select); coding-DNA position 650, A replaced by G.
Protein change: p.Lys217Arg; replaces lysine 217 with arginine.
Molecular consequence: missense variant.
Genome position (GRCh38, 1-based): chr17:42,480,683, A>G. VCF-style: chr17-42480683-A-G. GRCh37 (hg19) VCF-style: chr17-40632701-A-G.
Other names: c.671A>G, p.Lys224Arg (NM_001130020.3, NM_001378522.1, NM_001378523.1 and 3 more transcripts); c.773A>G, p.Lys258Arg (NM_001378530.1, NM_001378533.1, NM_001378551.1 and 1 more transcripts); c.794A>G, p.Lys265Arg (NM_001378531.1, NM_001378532.1); c.650A>G, p.Lys217Arg (NM_001378535.1, NM_001378537.1, NM_001378542.1 and 6 more transcripts); c.542A>G, p.Lys181Arg (NM_001378536.1, NM_001378550.1, NM_001378556.1); c.521A>G, p.Lys174Arg (NM_001378538.1, NM_001378540.1); c.491A>G, p.Lys164Arg (NM_001378543.1); c.440A>G, p.Lys147Arg (NM_001378545.1, NM_001378554.1); and 1 more; short protein forms K174R, K157R, K181R, K224R, K147R, K164R, K265R, K217R.
Identifiers: ClinVar variation 5008708 (VCV005008708.1).